The following is an entry in ClinVar:

ClinVar aggregate classification (germline): Uncertain significance (1 of 4 stars; one submission).

Allele frequency attached by ClinVar (database versions not stated): TOPMed below 0.00001; gnomAD exomes 0.00001.
gnomAD v4.1: 14 of 1,613,826 alleles (0.00087%); highest among the groups gnomAD compares: Non-Finnish European, 0.0011%; no homozygotes.

Submission:

Labcorp Genetics (formerly Invitae), Labcorp
Classification: Uncertain significance. Last evaluated: 2023-08-14. Review status: criteria provided, single submitter. Criteria: Invitae Variant Classification Sherloc (09022015). Collection method: clinical testing. Allele origin: germline.
Comment: This sequence change replaces alanine, which is neutral and non-polar, with glutamic acid, which is acidic and polar, at codon 534 of the DISP1 protein (p.Ala534Glu). This variant is present in population databases (no rsID available, gnomAD 0.002%). This variant has not been reported in the literature in individuals affected with DISP1-related conditions. ClinVar contains an entry for this variant (Variation ID: 1428103). An algorithm developed to predict the effect of missense changes on protein structure and function (PolyPhen-2) suggests that this variant is likely to be disruptive. In summary, the available evidence is currently insufficient to determine the role of this variant in disease. Therefore, it has been classified as a Variant of Uncertain Significance.

NM_001377229.1(DISP1):c.1601C>A (p.Ala534Glu)

Gene: DISP1 (dispatched RND transporter family member 1; plus strand). Cytogenetic location: 1q41.
Variant type: single nucleotide variant.
Coding change: c.1601C>A on transcript NM_001377229.1 (MANE Select); coding-DNA position 1601, C replaced by A.
Protein change: p.Ala534Glu; replaces alanine 534 with glutamic acid.
Molecular consequence: missense variant.
Genome position (GRCh38, 1-based): chr1:223,002,998, C>A. VCF-style: chr1-223002998-C-A. GRCh37 (hg19) VCF-style: chr1-223176340-C-A.
Other names: c.872C>A, p.Ala291Glu (NM_001350630.2); c.1601C>A, p.Ala534Glu (NM_001369594.1, NM_001377228.1, NM_032890.5); short protein forms A534E, A291E.
Identifiers: ClinVar variation 1428103 (VCV001428103.8), dbSNP rs970333368, ClinGen allele CA38407447.